The following is an entry in ClinVar:

ClinVar aggregate classification (germline): Uncertain significance (1 of 4 stars; one submission).

Submission:

Women's Health and Genetics/Laboratory Corporation of America, LabCorp
Classification: Uncertain significance. Last evaluated: 2025-09-02. Review status: criteria provided, single submitter. Criteria: LabCorp Variant Classification Summary - May 2015. Collection method: clinical testing. Allele origin: germline.
Comment: Variant summary: TTN c.46043T>C (p.Leu15348Pro) results in a non-conservative amino acid change in the encoded protein sequence. Algorithms developed to predict the effect of missense changes on protein structure and function are either unavailable or do not agree on the potential impact of this missense change. The variant was absent in 248268 control chromosomes. The available data on variant occurrences in the general population are insufficient to allow any conclusion about variant significance. To our knowledge, no occurrence of c.46043T>C in individuals affected with TTN-related conditions and no experimental evidence demonstrating its impact on protein function have been reported. No submitters have cited clinical-significance assessments for this variant to ClinVar. Based on the evidence outlined above, the variant was classified as uncertain significance.

NM_001267550.2(TTN):c.53747T>C (p.Leu17916Pro)

Genes: TTN (titin; minus strand), TTN-AS1 (TTN antisense RNA 1; plus strand). Cytogenetic location: 2q31.2.
Variant type: single nucleotide variant.
Coding change: c.53747T>C on transcript NM_001267550.2 (MANE Select); coding-DNA position 53747, T replaced by C.
Protein change: p.Leu17916Pro; replaces leucine 17916 with proline.
Molecular consequence: missense variant.
Genome position (GRCh38, 1-based): chr2:178,605,548, A>G on the plus strand (T>C on the coding strand, the complement: TTN is on the minus strand). VCF-style: chr2-178605548-A-G. GRCh37 (hg19) VCF-style: chr2-179470275-A-G.
Other names: c.48824T>C, p.Leu16275Pro (NM_001256850.1); c.26552T>C, p.Leu8851Pro (NM_003319.4); c.46043T>C, p.Leu15348Pro (NM_133378.4); c.26927T>C, p.Leu8976Pro (NM_133432.3); c.27128T>C, p.Leu9043Pro (NM_133437.4); short protein forms L15348P, L16275P, L17916P, L8851P, L8976P, L9043P.
Identifiers: ClinVar variation 4535913 (VCV004535913.1).